The following is an entry in ClinVar:

ClinVar aggregate classification (germline): Pathogenic (1 of 4 stars; one submission).

Conditions:
Kabuki syndrome 1 (KABUK1). Also called: KMT2D-Related Kabuki Syndrome. Identifiers: Orphanet 2322, MedGen CN030661, MONDO:0007843, OMIM 147920.

Submission:

3billion
Classification: Pathogenic for Kabuki syndrome 1. Last evaluated: 2025-10-29. Review status: criteria provided, single submitter. Criteria: ACMG Guidelines, 2015. Collection method: clinical testing. Allele origin: germline. Affected: yes.
Comment: The variant is not observed in the gnomAD v4.1.0 dataset. Predicted Consequence/Location: Frameshift: predicted to result in a loss or disruption of normal protein function through nonsense-mediated decay (NMD) or protein truncation. Multiple pathogenic variants are reported downstream of the variant. Therefore, this variant is classified as Pathogenic according to the recommendation of ACMG/AMP guideline.

NM_003482.4(KMT2D):c.1520del (p.Pro507fs)

Gene: KMT2D (lysine methyltransferase 2D; minus strand). Cytogenetic location: 12q13.12.
Variant type: Deletion.
Coding change: c.1520del on transcript NM_003482.4 (MANE Select); coding-DNA position 1520, one base deleted (C; older notation c.1520delC).
Protein change: p.Pro507fs; shifts the reading frame from proline 507.
Molecular consequence: frameshift variant.
Genome position (GRCh38, 1-based): chr12:49,052,163, G deleted on the plus strand (C on the coding strand, the reverse complement: KMT2D is on the minus strand); the first of 2 consecutive G bases (chr12:49,052,163-49,052,164); deleting either gives the same sequence. VCF-style (leftmost placement, unchanged base first): chr12-49052162-AG-A. GRCh37 (hg19) VCF-style: chr12-49445945-AG-A.
Other names: short protein forms P507fs.
Identifiers: ClinVar variation 4855877 (VCV004855877.1).